The following is an entry in ClinVar:

NM_000444.6(PHEX):c.2172del (p.Phe724fs)

Genes: PHEX (phosphate regulating endopeptidase X-linked; plus strand), PTCHD1-AS (PTCHD1 and PHEX antisense RNA; minus strand). Cytogenetic location: Xp22.11.
Variant type: Deletion.
Coding change: c.2172del on transcript NM_000444.6 (MANE Select); coding-DNA position 2172, one base deleted (T; older notation c.2172delT).
Protein change: p.Phe724fs; shifts the reading frame from phenylalanine 724.
Molecular consequence: frameshift variant. On other transcripts: 3 prime UTR variant (1).
Genome position (GRCh38, 1-based): chrX:22,247,875, T deleted; the last of 3 consecutive T bases (chrX:22,247,873-22,247,875); deleting any one gives the same sequence. VCF-style (leftmost placement, unchanged base first): chrX-22247872-CT-C. GRCh37 (hg19) VCF-style: chrX-22265989-CT-C.
Other names: c.*7del (NM_001282754.2); short protein forms F724fs.
Identifiers: ClinVar variation 2825829 (VCV002825829.3), dbSNP rs1556205980, ClinGen allele CA2739268123.
Genomic context (GRCh38, chrX:22,247,872, plus strand): 5'-AGAATTATATGACATATGCTTTGACATATCGTTTTTCAGGGTCAATGGTGCAATTAGTAA[CT>C]TTGAAGAATTCCAGAAAGCTTTTAACTGTCCACCCAATTCCACGATGAACAGAGGCATGG-3'

ClinVar aggregate classification (germline): Pathogenic (1 of 4 stars; one submission).

Submission:

Labcorp Genetics (formerly Invitae), Labcorp
Classification: Pathogenic. Last evaluated: 2025-04-29. Review status: criteria provided, single submitter. Criteria: Invitae Variant Classification Sherloc (09022015). Collection method: clinical testing. Allele origin: germline.
Comment: This sequence change creates a premature translational stop signal (p.Phe724Leufs*16) in the PHEX gene. While this is not anticipated to result in nonsense mediated decay, it is expected to disrupt the last 26 amino acid(s) of the PHEX protein. This variant is not present in population databases (gnomAD no frequency). This variant has not been reported in the literature in individuals affected with PHEX-related conditions. ClinVar contains an entry for this variant (Variation ID: 2825829). Algorithms developed to predict the effect of sequence changes on RNA splicing suggest that this variant may disrupt the consensus splice site. This variant disrupts a region of the PHEX protein in which other variant(s) (p.Trp749Arg ) have been determined to be pathogenic (PMID: 9768674, 29858904; internal data). This suggests that this is a clinically significant region of the protein, and that variants that disrupt it are likely to be disease-causing. For these reasons, this variant has been classified as Pathogenic.

Literature cited by the submitters: PubMed 9768674; PubMed 29858904.